The following is an entry in ClinVar:

NM_001042492.3(NF1):c.3907C>T (p.Pro1303Ser)

Gene: NF1 (neurofibromin 1; plus strand). Cytogenetic location: 17q11.2.
Variant type: single nucleotide variant.
Coding change: c.3907C>T on transcript NM_001042492.3 (MANE Select); coding-DNA position 3907, C replaced by T.
Protein change: p.Pro1303Ser; replaces proline 1303 with serine.
Molecular consequence: missense variant.
Genome position (GRCh38, 1-based): chr17:31,235,954, C>T. VCF-style: chr17-31235954-C-T. GRCh37 (hg19) VCF-style: chr17-29562972-C-T.
Other names: c.3907C>T, p.Pro1303Ser (NM_000267.4); short protein forms P1303S.
Identifiers: ClinVar variation 1736067 (VCV001736067.5), dbSNP rs2151438584, ClinGen allele CA398993115.

ClinVar aggregate classification (germline): Uncertain significance. Review status: criteria provided, multiple submitters, no conflicts (2 of 4 stars). 2 submissions from 2 submitters: Uncertain significance (2). Last evaluated 2025-04-14.

Conditions:
Cardiovascular phenotype. Identifiers: MedGen CN230736.
Hereditary cancer-predisposing syndrome. Also called: Neoplastic Syndromes, Hereditary; Tumor predisposition; Hereditary Cancer Syndrome; Hereditary neoplastic syndrome. Identifiers: Orphanet 140162, MedGen C0027672, MeSH D009386, MONDO:0015356.
Neurofibromatosis, type 1 (NF1). Also called: VON RECKLINGHAUSEN DISEASE; NEUROFIBROMATOSIS, TYPE I, SOMATIC; Neurofibromatosis, type I; Peripheral type neurofibromatosis. Identifiers: Orphanet 636, MedGen C0027831, MONDO:0018975, OMIM 162200. Disease mechanism: loss of function.

Submissions (2):

Labcorp Genetics (formerly Invitae), Labcorp
Classification: Uncertain significance for Neurofibromatosis, type 1. Last evaluated: 2025-04-14. Review status: criteria provided, single submitter. Criteria: Invitae Variant Classification Sherloc (09022015). Collection method: clinical testing. Allele origin: germline.
Comment: This sequence change replaces proline, which is neutral and non-polar, with serine, which is neutral and polar, at codon 1303 of the NF1 protein (p.Pro1303Ser). This variant is not present in population databases (gnomAD no frequency). This variant has not been reported in the literature in individuals affected with NF1-related conditions. ClinVar contains an entry for this variant (Variation ID: 1736067). Invitae Evidence Modeling of protein sequence and biophysical properties (such as structural, functional, and spatial information, amino acid conservation, physicochemical variation, residue mobility, and thermodynamic stability) indicates that this missense variant is expected to disrupt NF1 protein function with a positive predictive value of 95%. In summary, the available evidence is currently insufficient to determine the role of this variant in disease. Therefore, it has been classified as a Variant of Uncertain Significance.

Ambry Genetics
Classification: Uncertain significance for Cardiovascular phenotype; Hereditary cancer-predisposing syndrome. Last evaluated: 2025-04-02. Review status: criteria provided, single submitter. Criteria: Ambry Variant Classification Scheme 2023. Collection method: clinical testing. Allele origin: germline.
Comment: The p.P1303S variant (also known as c.3907C>T), located in coding exon 29 of the NF1 gene, results from a C to T substitution at nucleotide position 3907. The proline at codon 1303 is replaced by serine, an amino acid with similar properties. This amino acid position is highly conserved in available vertebrate species. In addition, this alteration is predicted to be deleterious by in silico analysis. Based on the available evidence, the clinical significance of this variant remains unclear.